The following is an entry in ClinVar:

NM_002691.4(POLD1):c.3305C>T (p.Pro1102Leu)

Gene: POLD1 (DNA polymerase delta 1, catalytic subunit; plus strand). Cytogenetic location: 19q13.33.
Variant type: single nucleotide variant.
Coding change: c.3305C>T on transcript NM_002691.4 (MANE Select); coding-DNA position 3305, C replaced by T.
Protein change: p.Pro1102Leu; replaces proline 1102 with leucine.
Molecular consequence: missense variant. On other transcripts: non-coding transcript variant (1).
Genome position (GRCh38, 1-based): chr19:50,417,928, C>T. VCF-style: chr19-50417928-C-T. GRCh37 (hg19) VCF-style: chr19-50921185-C-T.
Other names: c.3305C>T, p.Pro1102Leu (NM_001256849.1, NM_001438212.1, NM_001438213.1); c.3383C>T, p.Pro1128Leu (NM_001308632.1); c.3233C>T, p.Pro1078Leu (NM_001438210.1, NM_001438211.1); short protein forms P1078L, P1102L, P1128L.
Identifiers: ClinVar variation 5027007 (VCV005027007.1).
Genomic context (GRCh38, chr19:50,417,928, plus strand): 5'-GCAAGAAGGTGCGGAAGGACCTGGAAGACCAGGAGCAGCTCCTGCGGCGCTTCGGACCCC[C>T]TGGACCTGAGGCCTGGTGACCTTGCAAGCATCCCATGGGGCGGGGGCGGGACCAGGGAGA-3'
Protein context (NP_002682.2, residues 1092-1107): QEQLLRRFGP[Pro1102Leu]GPEAW

ClinVar aggregate classification (germline): Uncertain significance (1 of 4 stars; one submission).

Conditions:
Hereditary cancer-predisposing syndrome. Also called: Neoplastic Syndromes, Hereditary; Tumor predisposition; Hereditary neoplastic syndrome; Hereditary Cancer Syndrome. Identifiers: Orphanet 140162, MedGen C0027672, MeSH D009386, MONDO:0015356.

Submission:

Ambry Genetics
Classification: Uncertain significance for Hereditary cancer-predisposing syndrome. Last evaluated: 2026-08-18. Review status: criteria provided, single submitter. Criteria: Ambry Variant Classification Scheme 2023. Collection method: clinical testing. Allele origin: germline.
Comment: The p.P1102L variant (also known as c.3305C>T), located in coding exon 26 of the POLD1 gene, results from a C to T substitution at nucleotide position 3305. The proline at codon 1102 is replaced by leucine, an amino acid with similar properties. This amino acid position is conserved. In addition, this alteration is predicted to be tolerated by in silico analysis. Based on the available evidence, the clinical significance of this variant remains unclear.